The following is an entry in ClinVar:

ClinVar aggregate classification (germline): Benign (0 of 4 stars; one submission).

Conditions:
DAGLA-related disorder. Also called: DAGLA-related condition.

Allele frequency attached by ClinVar (database versions not stated): ESP Exome Variant Server 0.41171; gnomAD 0.42949; TOPMed 0.43087; ExAC 0.45309; 1000 Genomes Project 30x 0.48626; 1000 Genomes Project 0.49141.
gnomAD v4.1: 715,848 of 1,612,430 alleles (44%); highest among the groups gnomAD compares: East Asian, 80%; 162,955 homozygotes.

Submission:

PreventionGenetics, part of Exact Sciences
Classification: Benign for DAGLA-related condition. Last evaluated: 2019-09-24. Review status: no assertion criteria provided. Collection method: clinical testing. Allele origin: germline.
Comment: This variant is classified as benign based on ACMG/AMP sequence variant interpretation guidelines (Richards et al. 2015 PMID: 25741868, with internal and published modifications).

NM_006133.3(DAGLA):c.1524G>A (p.Ala508=)

Gene: DAGLA (diacylglycerol lipase alpha; plus strand). Cytogenetic location: 11q12.2.
Variant type: single nucleotide variant.
Coding change: c.1524G>A on transcript NM_006133.3 (MANE Select); coding-DNA position 1524, G replaced by A.
Protein change: p.Ala508=; no amino-acid change (alanine 508 retained).
Molecular consequence: synonymous variant.
Genome position (GRCh38, 1-based): chr11:61,737,696, G>A. VCF-style: chr11-61737696-G-A. GRCh37 (hg19) VCF-style: chr11-61505168-G-A.
Identifiers: ClinVar variation 3060723 (VCV003060723.2), dbSNP rs198444, ClinGen allele CA6036918.